The following is an entry in ClinVar:

NM_017636.4(TRPM4):c.2806T>C (p.Phe936Leu)

Gene: TRPM4 (transient receptor potential cation channel subfamily M member 4; plus strand). Cytogenetic location: 19q13.33.
Variant type: single nucleotide variant.
Coding change: c.2806T>C on transcript NM_017636.4 (MANE Select); coding-DNA position 2806, T replaced by C.
Protein change: p.Phe936Leu; replaces phenylalanine 936 with leucine.
Molecular consequence: missense variant.
Genome position (GRCh38, 1-based): chr19:49,200,638, T>C. VCF-style: chr19-49200638-T-C. GRCh37 (hg19) VCF-style: chr19-49703895-T-C.
Other names: c.2371T>C, p.Phe791Leu (NM_001195227.2); c.2461T>C, p.Phe821Leu (NM_001321281.2); c.1198T>C, p.Phe400Leu (NM_001321282.2); c.2284T>C, p.Phe762Leu (NM_001321283.2); c.1744T>C, p.Phe582Leu (NM_001321285.2); short protein forms F400L, F582L, F762L, F791L, F821L, F936L.
Identifiers: ClinVar variation 1694934 (VCV001694934.31), dbSNP rs1421769946, ClinGen allele CA406811679.

ClinVar aggregate classification (germline): Uncertain significance (1 of 4 stars; one submission).

Submission:

CeGaT Center for Human Genetics Tuebingen
Classification: Uncertain significance. Last evaluated: 2022-06-01. Review status: criteria provided, single submitter. Criteria: CeGaT Center For Human Genetics Tuebingen Variant Classification Criteria Version 2. Collection method: clinical testing. Allele origin: germline. Affected: yes. Observed: 1 variant allele.
Comment: TRPM4: PM2